The following is an entry in ClinVar:

ClinVar aggregate classification (germline): Conflicting classifications of pathogenicity. Review status: criteria provided, conflicting classifications (1 of 4 stars). 18 submissions from 14 submitters: Uncertain significance (10); Benign (2); Likely benign (3). 3 of the submissions do not count toward it. Last evaluated 2026-05-01.

Conditions:
Cardiomyopathy (CMYO). Also called: Cardiomyopathies. Identifiers: Orphanet 167848, MedGen C0878544, MONDO:0004994, HP:0001638. Inheritance: Various modes of inheritance.
Myopathy, myofibrillar, 9, with early respiratory failure (MFM9). Also called: Myopathy, distal, with early respiratory failure, autosomal dominant; EDSTROM MYOPATHY; Hereditary myopathy with early respiratory failure; MYOPATHY, PROXIMAL, WITH EARLY RESPIRATORY MUSCLE INVOLVEMENT. Identifiers: Orphanet 178464, Orphanet 34521, MedGen C1863599, MONDO:0011362, OMIM 603689.
Tibial muscular dystrophy (TMD). Also called: Udd Distal Myopathy – Tibial Muscular Dystrophy; UDD MYOPATHY; Tibial muscular dystrophy, tardive. Identifiers: Orphanet 609, MedGen C1838244, MONDO:0010870, OMIM 600334.
Inborn genetic diseases. Identifiers: MedGen C0950123, MeSH D030342.
Dilated cardiomyopathy 1G (CMD1G). Identifiers: Orphanet 154, MedGen C1858763, MONDO:0011400, OMIM 604145.
Autosomal recessive limb-girdle muscular dystrophy type 2J (LGMDR10). Also called: MUSCULAR DYSTROPHY, LIMB-GIRDLE, AUTOSOMAL RECESSIVE 10; Limb-girdle muscular dystrophy, type 2J. Identifiers: Orphanet 140922, MedGen C1837342, MONDO:0012127, OMIM 608807.
TTN-related disorder. Also called: TTN-related condition; TTN-related disease; TTN-related disorders.
Early-onset myopathy with fatal cardiomyopathy (CMYO5). Also called: CONGENITAL MYOPATHY 5 WITH CARDIOMYOPATHY; Salih Myopathy. Identifiers: Orphanet 289377, MedGen C2673677, MONDO:0012714, OMIM 611705. Disease mechanism: loss of function.

Allele frequency attached by ClinVar (database versions not stated): TOPMed 0.00009; gnomAD exomes 0.00012 and 0.00017; gnomAD 0.00015 and 0.00016; ExAC 0.00018; ESP Exome Variant Server 0.00025.
gnomAD v4.1: 191 of 1,611,870 alleles (0.012%); highest among the groups gnomAD compares: Middle Eastern, 0.016%; no homozygotes.

Submissions (18):

CeGaT Center for Human Genetics Tuebingen
Classification: Uncertain significance. Last evaluated: 2026-05-01. Review status: criteria provided, single submitter. Criteria: CeGaT Center For Human Genetics Tuebingen Variant Classification Criteria Version 2. Collection method: clinical testing. Allele origin: germline. Affected: yes. Observed: 3 variant alleles.

PreventionGenetics, part of Exact Sciences
Classification: Uncertain significance for TTN-related condition. Last evaluated: 2026-03-30. Review status: criteria provided, single submitter. Criteria: ACMG Guidelines, 2015. Collection method: clinical testing. Allele origin: germline.
Comment: The TTN c.45979C>T variant is predicted to result in the amino acid substitution p.Arg15327Cys. This variant was reported along with a second TTN variant (p.Ser35172del) in an individual with dilated cardiomyopathy, with both being interpreted as uncertain (Table S4, Verdonschot et al. 2020. PubMed ID: 32880476). This variant is reported in 0.030% of alleles in individuals of European (Non-Finnish) descent in gnomAD. Although we suspect that this variant may be benign, at this time, the clinical significance of this variant is uncertain due to the absence of conclusive functional and genetic evidence.

Women's Health and Genetics/Laboratory Corporation of America, LabCorp
Classification: Uncertain significance. Last evaluated: 2025-07-24. Review status: criteria provided, single submitter. Criteria: LabCorp Variant Classification Summary - May 2015. Collection method: clinical testing. Allele origin: germline.
Comment: Variant summary: TTN c.38275C>T (p.Arg12759Cys) results in a non-conservative amino acid change in the encoded protein sequence. Algorithms developed to predict the effect of missense changes on protein structure and function all suggest that this variant is likely to be disruptive. The variant allele was found at a frequency of 0.00017 in 246772 control chromosomes. This frequency is not significantly higher than estimated for a pathogenic variant in TTN causing Dilated Cardiomyopathy (0.00017 vs 0.00039), allowing no conclusion about variant significance. c.38275C>T has been observed in an individual affected with Dilated Cardiomyopathy, without strong evidence for causality (e.g. Verdonschot_2020). This report does not provide unequivocal conclusions about association of the variant with Dilated Cardiomyopathy. To our knowledge, no experimental evidence demonstrating an impact on protein function has been reported. The following publication has been ascertained in the context of this evaluation (PMID: 32880476). ClinVar contains an entry for this variant (Variation ID: 332861). Based on the evidence outlined above, the variant was classified as uncertain significance.

Molecular Diagnostic Laboratory for Inherited Cardiovascular Disease, Montreal Heart Institute
Classification: Likely benign. Last evaluated: 2025-04-09. Review status: criteria provided, single submitter. Criteria: ACMG Guidelines, 2015. Collection method: clinical testing. Allele origin: germline. Affected: no.

Blueprint Genetics
Classification: Likely benign. Last evaluated: 2024-10-25. Review status: criteria provided, single submitter. Criteria: ACMG Guidelines, 2015. Collection method: clinical testing. Allele origin: germline.

Revvity Omics, Revvity
Classification: Uncertain significance. Last evaluated: 2021-09-27. Review status: criteria provided, single submitter. Criteria: ACMG Guidelines, 2015. Collection method: clinical testing. Allele origin: germline.

CHEO Genetics Diagnostic Laboratory, Children's Hospital of Eastern Ontario
Classification: Uncertain significance for Cardiomyopathy. Last evaluated: 2019-06-25. Review status: criteria provided, single submitter. Criteria: ACMG Guidelines, 2015. Collection method: clinical testing. Allele origin: germline.

GeneDx
Classification: Likely benign. Last evaluated: 2018-12-06. Review status: criteria provided, single submitter. Criteria: GeneDx Variant Classification Process June 2021. Collection method: clinical testing. Allele origin: germline. Affected: yes.
Comment: This variant is associated with the following publications: (PMID: 32880476, 1745277, 10462489, 11717165, 12145747, 17444505, 18948003, 21617319, 21810661, 22335739, 23418287, 24105469, 24395473)

Illumina Laboratory Services, Illumina
Classification: Uncertain significance for Autosomal recessive limb-girdle muscular dystrophy type 2J. Last evaluated: 2018-01-13. Review status: criteria provided, single submitter. Criteria: ICSL Variant Classification Criteria 13 December 2019. Collection method: clinical testing. Allele origin: germline.

Illumina Laboratory Services, Illumina
Classification: Benign for Myopathy, myofibrillar, 9, with early respiratory failure. Last evaluated: 2018-01-13. Review status: criteria provided, single submitter. Criteria: ICSL Variant Classification Criteria 13 December 2019. Collection method: clinical testing. Allele origin: germline.
Comment: This variant was observed in the ICSL laboratory as part of a predisposition screen in an ostensibly healthy population. It had not been previously curated by ICSL or reported in the Human Gene Mutation Database (HGMD: prior to June 1st, 2018), and was therefore a candidate for classification through an automated scoring system. Utilizing variant allele frequency, disease prevalence and penetrance estimates, and inheritance mode, an automated score was calculated to assess if this variant is too frequent to cause the disease. Based on the score and internal cut-off values, a variant classified as benign is not then subjected to further curation. The score for this variant resulted in a classification of benign for this disease.

Illumina Laboratory Services, Illumina
Classification: Benign for Tibial muscular dystrophy. Last evaluated: 2018-01-13. Review status: criteria provided, single submitter. Criteria: ICSL Variant Classification Criteria 13 December 2019. Collection method: clinical testing. Allele origin: germline.
Comment: the same text as in the submission from Illumina Laboratory Services, Illumina above.

Illumina Laboratory Services, Illumina
Classification: Uncertain significance for Dilated cardiomyopathy 1G. Last evaluated: 2018-01-13. Review status: criteria provided, single submitter. Criteria: ICSL Variant Classification Criteria 13 December 2019. Collection method: clinical testing. Allele origin: germline.

Illumina Laboratory Services, Illumina
Classification: Uncertain significance for Early-onset myopathy with fatal cardiomyopathy. Last evaluated: 2018-01-13. Review status: criteria provided, single submitter. Criteria: ICSL Variant Classification Criteria 13 December 2019. Collection method: clinical testing. Allele origin: germline.

Labcorp Genetics (formerly Invitae), Labcorp
Classification: Uncertain significance for Dilated cardiomyopathy 1G; Autosomal recessive limb-girdle muscular dystrophy type 2J. Last evaluated: 2017-11-06. Review status: criteria provided, single submitter. Criteria: Invitae Variant Classification Sherloc (09022015). Collection method: clinical testing. Allele origin: germline.

Ambry Genetics
Classification: Uncertain significance for Inborn genetic diseases. Last evaluated: 2016-12-05. Review status: criteria provided, single submitter. Criteria: Ambry exome assertion method (8-5-2015). Collection method: clinical testing. Allele origin: germline. Affected: yes. Observed: 1 variant allele.

Clinical Genetics, Academic Medical Center
Classification: Uncertain significance. Review status: no assertion criteria provided. Collection method: clinical testing. Allele origin: germline. Affected: yes. Study: VKGL Data-share Consensus. Not counted in ClinVar's aggregate classification.

Diagnostic Laboratory, Department of Genetics, University Medical Center Groningen
Classification: Uncertain significance. Review status: no assertion criteria provided. Collection method: clinical testing. Allele origin: germline. Affected: yes. Study: VKGL Data-share Consensus. Not counted in ClinVar's aggregate classification.

Joint Genome Diagnostic Labs from Nijmegen and Maastricht, Radboudumc and MUMC+
Classification: Uncertain significance. Review status: no assertion criteria provided. Collection method: clinical testing. Allele origin: germline. Affected: yes. Study: VKGL Data-share Consensus. Not counted in ClinVar's aggregate classification.

Literature cited by the submitters: PubMed 32880476 (cited by Women's Health and Genetics/Laboratory Corporation of America, LabCorp).

NM_001267550.2(TTN):c.45979C>T (p.Arg15327Cys)

Gene: TTN (titin; minus strand). Cytogenetic location: 2q31.2.
Variant type: single nucleotide variant.
Coding change: c.45979C>T on transcript NM_001267550.2 (MANE Select); coding-DNA position 45979, C replaced by T.
Protein change: p.Arg15327Cys; replaces arginine 15327 with cysteine.
Molecular consequence: missense variant.
Genome position (GRCh38, 1-based): chr2:178,620,542, G>A on the plus strand (C>T on the coding strand, the complement: TTN is on the minus strand). VCF-style: chr2-178620542-G-A. GRCh37 (hg19) VCF-style: chr2-179485269-G-A.
Other names: c.41056C>T, p.Arg13686Cys (NM_001256850.1); c.18784C>T, p.Arg6262Cys (NM_003319.4); c.38275C>T, p.Arg12759Cys (NM_133378.4); c.19159C>T, p.Arg6387Cys (NM_133432.3); c.19360C>T, p.Arg6454Cys (NM_133437.4); short protein forms R12759C, R15327C, R6262C, R6454C, R13686C, R6387C.
Identifiers: ClinVar variation 332861 (VCV000332861.49), dbSNP rs367774903, ClinGen allele CA1995326.